The following is an entry in ClinVar:

ClinVar aggregate classification (germline): Likely benign. Review status: criteria provided, multiple submitters, no conflicts (2 of 4 stars). 4 submissions from 4 submitters: Likely benign (2). 2 of the submissions do not count toward it. Last evaluated 2026-01-27.

Conditions:
SLC4A11-related disorder. Also called: SLC4A11-related condition.
Corneal dystrophy-perceptive deafness syndrome (CDPD). Also called: CORNEAL DYSTROPHY AND SENSORINEURAL DEAFNESS; HARBOYAN SYNDROME. Identifiers: Orphanet 1490, MedGen C1857572, MONDO:0009015, OMIM 217400.

Allele frequency attached by ClinVar (database versions not stated): ExAC 0.00017; gnomAD 0.00021; ESP Exome Variant Server 0.00023; TOPMed 0.00029.
gnomAD v4.1: 186 of 1,614,030 alleles (0.012%); highest among the groups gnomAD compares: African/African-American, 0.095%; no homozygotes.

Submissions (4):

Labcorp Genetics (formerly Invitae), Labcorp
Classification: Likely benign. Last evaluated: 2026-01-27. Review status: criteria provided, single submitter. Criteria: Invitae Variant Classification Sherloc (09022015). Collection method: clinical testing. Allele origin: germline.

Blueprint Genetics
Classification: Likely benign. Last evaluated: 2024-09-04. Review status: criteria provided, single submitter. Criteria: ACMG Guidelines, 2015. Collection method: clinical testing. Allele origin: germline.

Natera, Inc.
Classification: Likely benign for Corneal dystrophy-perceptive deafness syndrome. Last evaluated: 2019-10-23. Review status: no assertion criteria provided. Collection method: clinical testing. Allele origin: germline. Not counted in ClinVar's aggregate classification.

PreventionGenetics, part of Exact Sciences
Classification: Likely benign for SLC4A11-related condition. Last evaluated: 2019-04-25. Review status: no assertion criteria provided. Collection method: clinical testing. Allele origin: germline. Not counted in ClinVar's aggregate classification.
Comment: This variant is classified as likely benign based on ACMG/AMP sequence variant interpretation guidelines (Richards et al. 2015 PMID: 25741868, with internal and published modifications).

NM_001174089.2(SLC4A11):c.495C>T (p.Thr165=)

Gene: SLC4A11 (solute carrier family 4 member 11; minus strand). Cytogenetic location: 20p13.
Variant type: single nucleotide variant.
Coding change: c.495C>T on transcript NM_001174089.2 (MANE Select); coding-DNA position 495, C replaced by T.
Protein change: p.Thr165=; no amino-acid change (threonine 165 retained).
Molecular consequence: synonymous variant. On other transcripts: non-coding transcript variant (1).
Genome position (GRCh38, 1-based): chr20:3,234,111, G>A on the plus strand (C>T on the coding strand, the complement: SLC4A11 is on the minus strand). VCF-style: chr20-3234111-G-A. GRCh37 (hg19) VCF-style: chr20-3214757-G-A.
Other names: c.624C>T, p.Thr208= (NM_001174090.2); c.495C>T, p.Thr165= (NM_001363745.2); c.543C>T, p.Thr181= (NM_032034.4); c.543C>T (NM_032034.3).
Identifiers: ClinVar variation 1131496 (VCV001131496.13), dbSNP rs148099705, ClinGen allele CA9742277.
Genomic context (GRCh38, chr20:3,234,111, plus strand): 5'-CGCCCCCGCCCGGGCCGGGAGACCGGCCTCACCTTTACCCCGCATGGGTGCCCCGGCATC[G>A]GTGAAGAGCATGGCCATGAGCAGGTCCAGGTTGCAGTTGGGCTCATTGTTGTCAGGGTCC-3'
Protein context (NP_001167560.1, residues 155-175): NLDLLMAMLF[Thr165=]DAGAPMRGKV